The following is an entry in ClinVar:

ClinVar aggregate classification (germline): Pathogenic (1 of 4 stars; one submission).

Conditions:
Hereditary nonpolyposis colorectal neoplasms. Identifiers: MedGen C0009405, MeSH D003123.

Submission:

Labcorp Genetics (formerly Invitae), Labcorp
Classification: Pathogenic for Hereditary nonpolyposis colorectal neoplasms. Last evaluated: 2022-10-11. Review status: criteria provided, single submitter. Criteria: Invitae Variant Classification Sherloc (09022015). Collection method: clinical testing. Allele origin: germline.
Comment: This sequence change creates a premature translational stop signal (p.Lys374*) in the MSH6 gene. It is expected to result in an absent or disrupted protein product. Loss-of-function variants in MSH6 are known to be pathogenic (PMID: 18269114, 24362816). This variant is not present in population databases (gnomAD no frequency). This variant has not been reported in the literature in individuals affected with MSH6-related conditions. For these reasons, this variant has been classified as Pathogenic.

Literature cited by the submitters: PubMed 18269114; PubMed 24362816.

NM_000179.3(MSH6):c.1120A>T (p.Lys374Ter)

Gene: MSH6 (mutS homolog 6; plus strand). Cytogenetic location: 2p16.3.
Variant type: single nucleotide variant.
Coding change: c.1120A>T on transcript NM_000179.3 (MANE Select); coding-DNA position 1120, A replaced by T.
Protein change: p.Lys374Ter; replaces lysine 374 with a stop codon.
Molecular consequence: nonsense.
Genome position (GRCh38, 1-based): chr2:47,799,103, A>T. VCF-style: chr2-47799103-A-T. GRCh37 (hg19) VCF-style: chr2-48026242-A-T.
Other names: c.730A>T, p.Lys244Ter (NM_001281492.2); c.214A>T, p.Lys72Ter (NM_001281493.2, NM_001281494.2, NM_001406811.1 and 6 more transcripts); c.1216A>T, p.Lys406Ter (NM_001406795.1, NM_001406802.1); c.1120A>T, p.Lys374Ter (NM_001406796.1, NM_001406798.1, NM_001406800.1 and 4 more transcripts); c.823A>T, p.Lys275Ter (NM_001406797.1, NM_001406801.1, NM_001406805.1 and 10 more transcripts); c.595A>T, p.Lys199Ter (NM_001406799.1, NM_001406806.1, NM_001406807.1); c.1042A>T, p.Lys348Ter (NM_001406804.1); c.1126A>T, p.Lys376Ter (NM_001406813.1); and 1 more; short protein forms K275*, K348*, K406*, K318*, K72*, K199*, K244*, K374*.
Identifiers: ClinVar variation 2034794 (VCV002034794.4), dbSNP rs1558660575, ClinGen allele CA346742016.